The following is an entry in ClinVar:

NM_001364905.1(LRBA):c.5692G>T (p.Glu1898Ter)

Gene: LRBA (LPS responsive beige-like anchor protein; minus strand). Cytogenetic location: 4q31.3.
Variant type: single nucleotide variant.
Coding change: c.5692G>T on transcript NM_001364905.1 (MANE Select); coding-DNA position 5692, G replaced by T.
Protein change: p.Glu1898Ter; replaces glutamic acid 1898 with a stop codon.
Molecular consequence: nonsense.
Genome position (GRCh38, 1-based): chr4:150,735,320, C>A on the plus strand (G>T on the coding strand, the complement: LRBA is on the minus strand). VCF-style: chr4-150735320-C-A. GRCh37 (hg19) VCF-style: chr4-151656472-C-A.
Other names: c.5692G>T, p.Glu1898Ter (NM_001199282.3, NM_001367550.1, NM_006726.5); short protein forms E1898*.
Identifiers: ClinVar variation 3660392 (VCV003660392.2).
Genomic context (GRCh38, chr4:150,735,320, plus strand): 5'-CAAATTCCGCATGTCTGTGAATATCTTCTGCTCTCTGCCTGCTCAGGATAAATTCAGCTT[C>A]ATTTGCTACTCTTACTAGATGATCCTTCATTGTCTGGCTAAGCAACCTGTAAGAAATGAA-3'

ClinVar aggregate classification (germline): Pathogenic (1 of 4 stars; one submission).

Conditions:
Combined immunodeficiency due to LRBA deficiency. Also called: Common variable immunodeficiency 8, with autoimmunity. Identifiers: Orphanet 445018, MedGen C3553512, MONDO:0013863, OMIM 614700.

Submission:

Labcorp Genetics (formerly Invitae), Labcorp
Classification: Pathogenic for Combined immunodeficiency due to LRBA deficiency. Last evaluated: 2024-07-23. Review status: criteria provided, single submitter. Criteria: Invitae Variant Classification Sherloc (09022015). Collection method: clinical testing. Allele origin: germline.
Comment: This sequence change creates a premature translational stop signal (p.Glu1898*) in the LRBA gene. It is expected to result in an absent or disrupted protein product. Loss-of-function variants in LRBA are known to be pathogenic (PMID: 26206937, 26768763). This variant is not present in population databases (gnomAD no frequency). This variant has not been reported in the literature in individuals affected with LRBA-related conditions. For these reasons, this variant has been classified as Pathogenic.

Literature cited by the submitters: PubMed 26206937; PubMed 26768763.